The following is an entry in ClinVar:

ClinVar aggregate classification (germline): Uncertain significance (1 of 4 stars; one submission).

Submission:

Labcorp Genetics (formerly Invitae), Labcorp
Classification: Uncertain significance. Last evaluated: 2025-07-02. Review status: criteria provided, single submitter. Criteria: Invitae Variant Classification Sherloc (09022015). Collection method: clinical testing. Allele origin: germline.
Comment: This sequence change replaces proline, which is neutral and non-polar, with alanine, which is neutral and non-polar, at codon 1372 of the SMARCA2 protein (p.Pro1372Ala). This variant is not present in population databases (gnomAD no frequency). This variant has not been reported in the literature in individuals affected with SMARCA2-related conditions. Invitae Evidence Modeling of protein sequence and biophysical properties (such as structural, functional, and spatial information, amino acid conservation, physicochemical variation, residue mobility, and thermodynamic stability) indicates that this missense variant is not expected to disrupt SMARCA2 protein function with a negative predictive value of 80%. In summary, the available evidence is currently insufficient to determine the role of this variant in disease. Therefore, it has been classified as a Variant of Uncertain Significance.

NM_003070.5(SMARCA2):c.4114C>G (p.Pro1372Ala)

Gene: SMARCA2 (SWI/SNF related BAF chromatin remodeling complex subunit ATPase 2; plus strand). Cytogenetic location: 9p24.3.
Variant type: single nucleotide variant.
Coding change: c.4114C>G on transcript NM_003070.5 (MANE Select); coding-DNA position 4114, C replaced by G.
Protein change: p.Pro1372Ala; replaces proline 1372 with alanine.
Molecular consequence: missense variant.
Genome position (GRCh38, 1-based): chr9:2,161,818, C>G. VCF-style: chr9-2161818-C-G. GRCh37 (hg19) VCF-style: chr9-2161818-C-G.
Other names: c.4114C>G, p.Pro1372Ala (NM_001289396.2, NM_139045.4); c.3940C>G, p.Pro1314Ala (NM_001289397.2); c.142C>G, p.Pro48Ala (NM_001289398.2); c.226C>G, p.Pro76Ala (NM_001289399.2); c.232C>G, p.Pro78Ala (NM_001289400.2); short protein forms P1314A, P1372A, P48A, P76A, P78A.
Identifiers: ClinVar variation 4805588 (VCV004805588.1).
Genomic context (GRCh38, chr9:2,161,818, plus strand): 5'-GTGGATAAAGATCCTGCAAAAGAAGATGTGGAAAAAGCTAAGAAGAGAAGAGGCCGCCCT[C>G]CCGCTGAGAAACTGTCACCAAATCCCCCCAAACTGACAAAGCAGATGAACGCTATCATCG-3'
Protein context (NP_003061.3, residues 1362-1382): EKAKKRRGRP[Pro1372Ala]AEKLSPNPPK